The following is an entry in ClinVar:

ClinVar aggregate classification (germline): Conflicting classifications of pathogenicity. Review status: criteria provided, conflicting classifications (1 of 4 stars). 3 submissions from 3 submitters: Uncertain significance (1); Likely benign (1). 1 of the submissions does not count toward it. Last evaluated 2023-07-13.

Conditions:
Hereditary cancer-predisposing syndrome. Also called: Hereditary Cancer Syndrome; Hereditary neoplastic syndrome; Neoplastic Syndromes, Hereditary; Tumor predisposition. Identifiers: Orphanet 140162, MedGen C0027672, MeSH D009386, MONDO:0015356.

Submissions (3):

Ambry Genetics
Classification: Uncertain significance for Hereditary cancer-predisposing syndrome. Last evaluated: 2023-07-13. Review status: criteria provided, single submitter. Criteria: Ambry Variant Classification Scheme 2023. Collection method: clinical testing. Allele origin: germline.
Comment: The p.L686F variant (also known as c.2056C>T), located in coding exon 10 of the BRCA2 gene, results from a C to T substitution at nucleotide position 2056. The leucine at codon 686 is replaced by phenylalanine, an amino acid with highly similar properties. This amino acid position is well conserved in available vertebrate species. In addition, this alteration is predicted to be tolerated by in silico analysis. Since supporting evidence is limited at this time, the clinical significance of this alteration remains unclear.

University of Washington Department of Laboratory Medicine, University of Washington
Classification: Likely benign for Hereditary cancer-predisposing syndrome. Last evaluated: 2023-03-23. Review status: criteria provided, single submitter. Criteria: Dines et al. (Genet Med. 2020). Collection method: curation. Allele origin: germline.
Comment: Missense variant in a coldspot region where missense variants are very unlikely to be pathogenic (PMID:31911673).

BRCA2 exon 11 coldspot. Reclassification based on statistical prior probability.

Research Molecular Genetics Laboratory, Women's College Hospital, University of Toronto
Classification: Uncertain significance. Last evaluated: 2014-01-31. Review status: no assertion criteria provided. Collection method: research. Allele origin: germline. Affected: yes. Study: The Canadian Open Genetics Repository (COGR). Not counted in ClinVar's aggregate classification.

NM_000059.4(BRCA2):c.2056C>T (p.Leu686Phe)

Gene: BRCA2 (BRCA2 DNA repair associated; plus strand). Cytogenetic location: 13q13.1.
Variant type: single nucleotide variant.
Coding change: c.2056C>T on transcript NM_000059.4 (MANE Select); coding-DNA position 2056, C replaced by T.
Protein change: p.Leu686Phe; replaces leucine 686 with phenylalanine.
Molecular consequence: missense variant.
Genome position (GRCh38, 1-based): chr13:32,336,411, C>T. VCF-style: chr13-32336411-C-T. GRCh37 (hg19) VCF-style: chr13-32910548-C-T.
Other names: short protein forms L686F.
Identifiers: ClinVar variation 431297 (VCV000431297.5), dbSNP rs1135401896, ClinGen allele CA387768999.
Genomic context (GRCh38, chr13:32,336,411, plus strand): 5'-ATTCTGAGGAAATGTTCTAGAAATGAAACATGTTCTAATAATACAGTAATCTCTCAGGAT[C>T]TTGATTATAAAGAAGCAAAATGTAATAAGGAAAAACTACAGTTATTTATTACCCCAGAAG-3'
Protein context (NP_000050.3, residues 676-696): CSNNTVISQD[Leu686Phe]DYKEAKCNKE